The following is an entry in ClinVar:

ClinVar aggregate classification (germline): Pathogenic (1 of 4 stars; one submission).

Conditions:
Andersen Tawil syndrome (LQT7). Also called: ANDERSEN CARDIODYSRHYTHMIC PERIODIC PARALYSIS; LONG QT SYNDROME 7; PERIODIC PARALYSIS, POTASSIUM-SENSITIVE CARDIODYSRHYTHMIC TYPE; Andersen Syndrome; Potassium-sensitive periodic paralysis, ventricular ectopy, and dysmorphic features. Identifiers: Orphanet 37553, MedGen C1563715, MONDO:0008222, OMIM 170390.
Short QT syndrome type 3. Identifiers: Orphanet 51083, MedGen C1865018, MONDO:0012314, OMIM 609622.

Submission:

Labcorp Genetics (formerly Invitae), Labcorp
Classification: Pathogenic for Short QT syndrome type 3; Andersen Tawil syndrome. Last evaluated: 2024-04-13. Review status: criteria provided, single submitter. Criteria: Invitae Variant Classification Sherloc (09022015). Collection method: clinical testing. Allele origin: germline.
Comment: This sequence change creates a premature translational stop signal (p.Tyr348*) in the KCNJ2 gene. While this is not anticipated to result in nonsense mediated decay, it is expected to disrupt the last 80 amino acid(s) of the KCNJ2 protein. This variant is not present in population databases (gnomAD no frequency). This variant has not been reported in the literature in individuals affected with KCNJ2-related conditions. This variant disrupts a region of the KCNJ2 protein in which other variant(s) (p.Ser369*) have been determined to be pathogenic (PMID: 21493816). This suggests that this is a clinically significant region of the protein, and that variants that disrupt it are likely to be disease-causing. For these reasons, this variant has been classified as Pathogenic.

Literature cited by the submitters: PubMed 21493816.

NM_000891.3(KCNJ2):c.1044C>G (p.Tyr348Ter)

Gene: KCNJ2 (potassium inwardly rectifying channel subfamily J member 2; plus strand). Cytogenetic location: 17q24.3.
Variant type: single nucleotide variant.
Coding change: c.1044C>G on transcript NM_000891.3 (MANE Select); coding-DNA position 1044, C replaced by G.
Protein change: p.Tyr348Ter; replaces tyrosine 348 with a stop codon.
Molecular consequence: nonsense.
Genome position (GRCh38, 1-based): chr17:70,176,083, C>G. VCF-style: chr17-70176083-C-G. GRCh37 (hg19) VCF-style: chr17-68172224-C-G.
Other names: short protein forms Y348*.
Identifiers: ClinVar variation 3755832 (VCV003755832.2).